The following is an entry in ClinVar:

NM_022092.3(CHTF18):c.895-4G>T

Gene: CHTF18 (chromosome transmission fidelity factor 18; plus strand). Cytogenetic location: 16p13.3.
Variant type: single nucleotide variant.
Coding change: c.895-4G>T on transcript NM_022092.3 (MANE Select); 4 bases into the intron before coding-DNA position 895, G replaced by T.
Molecular consequence: intron variant.
Genome position (GRCh38, 1-based): chr16:791,157, G>T. VCF-style: chr16-791157-G-T. GRCh37 (hg19) VCF-style: chr16-841157-G-T.
Identifiers: ClinVar variation 2645865 (VCV002645865.24), dbSNP rs188666865, ClinGen allele CA7794849.

ClinVar aggregate classification (germline): Likely benign (1 of 4 stars; one submission).

Allele frequency attached by ClinVar (database versions not stated): 1000 Genomes Project 30x 0.00016; 1000 Genomes Project 0.00020; ESP Exome Variant Server 0.00266.
gnomAD v4.1: 4,298 of 1,607,974 alleles (0.27%); highest among the groups gnomAD compares: Non-Finnish European, 0.34%; 8 homozygotes.

Submission:

CeGaT Center for Human Genetics Tuebingen
Classification: Likely benign. Last evaluated: 2022-07-01. Review status: criteria provided, single submitter. Criteria: CeGaT Center For Human Genetics Tuebingen Variant Classification Criteria Version 2. Collection method: clinical testing. Allele origin: germline. Affected: yes. Observed: 1 variant allele.
Comment: CHTF18: BP4